The following is an entry in ClinVar:

NM_001365276.2(TNXB):c.8432G>A (p.Arg2811Gln)

Gene: TNXB (tenascin XB; minus strand). Cytogenetic location: 6p21.33.
Variant type: single nucleotide variant.
Coding change: c.8432G>A on transcript NM_001365276.2 (MANE Select); coding-DNA position 8432, G replaced by A.
Protein change: p.Arg2811Gln; replaces arginine 2811 with glutamine.
Molecular consequence: missense variant.
Genome position (GRCh38, 1-based): chr6:32,055,886, C>T on the plus strand (G>A on the coding strand, the complement: TNXB is on the minus strand). VCF-style: chr6-32055886-C-T. GRCh37 (hg19) VCF-style: chr6-32023663-C-T.
Other names: p.Arg2811Gln; c.8432G>A, p.Arg2811Gln (NM_019105.8); short protein forms R2811Q.
Identifiers: ClinVar variation 871704 (VCV000871704.57), dbSNP rs200522966, ClinGen allele CA3733852.

ClinVar aggregate classification (germline): Conflicting classifications of pathogenicity. Review status: criteria provided, conflicting classifications (1 of 4 stars). 8 submissions from 8 submitters: Uncertain significance (6); Likely benign (1). 1 of the submissions does not count toward it. Last evaluated 2026-03-11.

Conditions:
Ehlers-Danlos syndrome due to tenascin-X deficiency (EDSCLL1). Also called: TNXB-Related Classical-Like Ehlers-Danlos Syndrome; TNX DEFICIENCY; EHLERS-DANLOS SYNDROME, CLASSIC-LIKE; Ehlers-Danlos syndrome, classic-like, 1; EDS DUE TO TNX DEFICIENCY. Identifiers: Orphanet 230839, MedGen C1848029, MONDO:0011670, OMIM 606408.
Cardiovascular phenotype. Identifiers: MedGen CN230736.
Ehlers-Danlos syndrome (EDS). Identifiers: Orphanet 98249, MedGen C0013720, MONDO:0020066.
TNXB-related disorder. Also called: TNXB-related condition.

Allele frequency attached by ClinVar (database versions not stated): ExAC 0.00019; 1000 Genomes Project 0.00020; gnomAD 0.00024 and 0.00025; ESP Exome Variant Server 0.00026; TOPMed 0.00026; gnomAD exomes 0.00027 and 0.00047; 1000 Genomes Project 30x 0.00031.

Submissions (8):

Women's Health and Genetics/Laboratory Corporation of America, LabCorp
Classification: Uncertain significance. Last evaluated: 2026-03-11. Review status: criteria provided, single submitter. Criteria: LabCorp Variant Classification Summary - May 2015. Collection method: clinical testing. Allele origin: germline.
Comment: Variant summary: TNXB c.8432G>A (p.Arg2811Gln) results in a conservative amino acid change in the encoded protein sequence. Algorithms developed to predict the effect of missense changes on protein structure and function all suggest that this variant is likely to be tolerated. The variant allele was found at a frequency of 0.00027 in 245920 control chromosomes. This frequency is not significantly higher than estimated for disease-causing variants in TNXB, allowing no conclusion about variant significance. To our knowledge, no occurrence of c.8432G>A in individuals affected with TNXB-related conditions and no experimental evidence demonstrating its impact on protein function have been reported. ClinVar contains an entry for this variant (Variation ID: 871704). Based on the evidence outlined above, the variant was classified as uncertain significance.

Mayo Clinic Laboratories, Mayo Clinic
Classification: Uncertain significance. Last evaluated: 2025-11-13. Review status: criteria provided, single submitter. Criteria: ACMG Guidelines, 2015. Collection method: clinical testing. Allele origin: germline. Observed: 1 variant allele.
Comment: BP4_strong

GeneDx
Classification: Uncertain significance. Last evaluated: 2025-10-21. Review status: criteria provided, single submitter. Criteria: GeneDx Variant Classification Process June 2021. Collection method: clinical testing. Allele origin: germline. Affected: yes.
Comment: Has not been previously published as pathogenic or benign to our knowledge; In silico analysis suggests that this missense variant does not alter protein structure/function

MGZ Medical Genetics Center
Classification: Uncertain significance for Ehlers-Danlos syndrome due to tenascin-X deficiency. Last evaluated: 2022-01-14. Review status: criteria provided, single submitter. Criteria: ACMG Guidelines, 2015. Collection method: clinical testing. Allele origin: germline. Affected: yes. Observed: 1 variant allele.
Comment: ACMG criteria applied: PM2_SUP, BP4

Genome Diagnostics Laboratory, The Hospital for Sick Children
Classification: Uncertain significance for Ehlers-Danlos syndrome. Last evaluated: 2020-05-01. Review status: criteria provided, single submitter. Criteria: ACMG Guidelines, 2015. Collection method: clinical testing. Allele origin: germline.

CeGaT Center for Human Genetics Tuebingen
Classification: Uncertain significance. Last evaluated: 2019-09-01. Review status: criteria provided, single submitter. Criteria: CeGaT Center For Human Genetics Tuebingen Variant Classification Criteria Version 2. Collection method: clinical testing. Allele origin: germline. Affected: yes. Observed: 1 variant allele.

Ambry Genetics
Classification: Likely benign for Cardiovascular phenotype. Last evaluated: 2019-05-02. Review status: criteria provided, single submitter. Criteria: Ambry Variant Classification Scheme 2023. Collection method: clinical testing. Allele origin: germline.

PreventionGenetics, part of Exact Sciences
Classification: Likely benign for TNXB-related condition. Last evaluated: 2023-03-01. Review status: no assertion criteria provided. Collection method: clinical testing. Allele origin: germline. Not counted in ClinVar's aggregate classification.
Comment: This variant is classified as likely benign based on ACMG/AMP sequence variant interpretation guidelines (Richards et al. 2015 PMID: 25741868, with internal and published modifications).